The following is an entry in ClinVar:

ClinVar aggregate classification (germline): Likely benign. Review status: criteria provided, multiple submitters, no conflicts (2 of 4 stars). 2 submissions from 2 submitters: Likely benign (2). Last evaluated 2025-10-01.

Allele frequency attached by ClinVar (database versions not stated): gnomAD exomes 0.00001.
gnomAD v4.1: 8 of 1,604,032 alleles (0.0005%); highest among the groups gnomAD compares: Non-Finnish European, 0.00068%; no homozygotes.

Submissions (2):

CeGaT Center for Human Genetics Tuebingen
Classification: Likely benign. Last evaluated: 2025-10-01. Review status: criteria provided, single submitter. Criteria: CeGaT Center For Human Genetics Tuebingen Variant Classification Criteria Version 2. Collection method: clinical testing. Allele origin: germline. Affected: yes. Observed: 1 variant allele.
Comment: NUP107: BP4, BP7

Labcorp Genetics (formerly Invitae), Labcorp
Classification: Likely benign. Last evaluated: 2023-11-15. Review status: criteria provided, single submitter. Criteria: Invitae Variant Classification Sherloc (09022015). Collection method: clinical testing. Allele origin: germline.

NM_020401.4(NUP107):c.756T>C (p.Val252=)

Gene: NUP107 (nucleoporin 107; plus strand). Cytogenetic location: 12q15.
Variant type: single nucleotide variant.
Coding change: c.756T>C on transcript NM_020401.4 (MANE Select); coding-DNA position 756, T replaced by C.
Protein change: p.Val252=; no amino-acid change (valine 252 retained).
Molecular consequence: synonymous variant.
Genome position (GRCh38, 1-based): chr12:68,709,264, T>C. VCF-style: chr12-68709264-T-C. GRCh37 (hg19) VCF-style: chr12-69103044-T-C.
Other names: c.669T>C, p.Val223= (NM_001330192.2).
Identifiers: ClinVar variation 2766141 (VCV002766141.9), dbSNP rs2498949384, ClinGen allele CA480416759.
Genomic context (GRCh38, chr12:68,709,264, plus strand): 5'-ATTCTGTTTATCCTTTTAATATTTTTCATAATAGGCTGTTAATGCCAGTGAAAAAACAGT[T>C]GTGGAAGCGTTATTTCAGAGGGATTCACTTGTTCGACAAAGTCAGGTATGACTAGAATTT-3'
Protein context (NP_065134.1, residues 242-262): VTAVNASEKT[Val252=]VEALFQRDSL